The following is an entry in ClinVar:

ClinVar aggregate classification (germline): Benign/Likely benign. Review status: criteria provided, multiple submitters, no conflicts (2 of 4 stars). 4 submissions from 4 submitters: Benign (3); Likely benign (1). Last evaluated 2026-01-26.

Conditions:
Cone-rod dystrophy 5 (CORD5). Identifiers: Orphanet 1872, MedGen C1832976, MONDO:0010969, OMIM 600977.

Allele frequency attached by ClinVar (database versions not stated): 1000 Genomes Project 0.00359; 1000 Genomes Project 30x 0.00359; gnomAD exomes 0.00021 and 0.00071; ExAC 0.00086; ESP Exome Variant Server 0.00254; gnomAD 0.00259 and 0.00273; TOPMed 0.00283.
gnomAD v4.1: 716 of 1,612,786 alleles (0.044%); highest among the groups gnomAD compares: African/African-American, 0.85%; 7 homozygotes.

Submissions (4):

Labcorp Genetics (formerly Invitae), Labcorp
Classification: Benign. Last evaluated: 2026-01-26. Review status: criteria provided, single submitter. Criteria: Invitae Variant Classification Sherloc (09022015). Collection method: clinical testing. Allele origin: germline.

Blueprint Genetics
Classification: Likely benign. Last evaluated: 2024-09-09. Review status: criteria provided, single submitter. Criteria: ACMG Guidelines, 2015. Collection method: clinical testing. Allele origin: germline.

Eurofins Ntd Llc (ga)
Classification: Benign. Last evaluated: 2018-02-02. Review status: criteria provided, single submitter. Criteria: EGL Classification Definitions 2015. Collection method: clinical testing. Allele origin: germline. Observed: 1 variant allele, 1 heterozygote.

Illumina Laboratory Services, Illumina
Classification: Benign for Cone-rod dystrophy 5. Last evaluated: 2018-01-13. Review status: criteria provided, single submitter. Criteria: ICSL Variant Classification Criteria 13 December 2019. Collection method: clinical testing. Allele origin: germline.
Comment: This variant was observed in the ICSL laboratory as part of a predisposition screen in an ostensibly healthy population. It had not been previously curated by ICSL or reported in the Human Gene Mutation Database (HGMD: prior to June 1st, 2018), and was therefore a candidate for classification through an automated scoring system. Utilizing variant allele frequency, disease prevalence and penetrance estimates, and inheritance mode, an automated score was calculated to assess if this variant is too frequent to cause the disease. Based on the score and internal cut-off values, a variant classified as benign is not then subjected to further curation. The score for this variant resulted in a classification of benign for this disease.

NM_031220.4(PITPNM3):c.226+9C>G

Gene: PITPNM3 (PITPNM family member 3; minus strand). Cytogenetic location: 17p13.1.
Variant type: single nucleotide variant.
Coding change: c.226+9C>G on transcript NM_031220.4 (MANE Select); 9 bases into the intron after coding-DNA position 226, C replaced by G.
Molecular consequence: intron variant.
Genome position (GRCh38, 1-based): chr17:6,525,347, G>C on the plus strand (C>G on the coding strand, the complement: PITPNM3 is on the minus strand). VCF-style: chr17-6525347-G-C. GRCh37 (hg19) VCF-style: chr17-6428667-G-C.
Other names: c.118+12640C>G (NM_001165966.2).
Identifiers: ClinVar variation 324768 (VCV000324768.20), dbSNP rs145880642, ClinGen allele CA8329925.